The following is an entry in ClinVar:

ClinVar aggregate classification (germline): Pathogenic (1 of 4 stars; one submission).

Submission:

CeGaT Center for Human Genetics Tuebingen
Classification: Pathogenic. Last evaluated: 2023-04-01. Review status: criteria provided, single submitter. Criteria: CeGaT Center For Human Genetics Tuebingen Variant Classification Criteria Version 2. Collection method: clinical testing. Allele origin: germline. Affected: yes. Observed: 1 variant allele.
Comment: NHLRC1: PVS1, PM2, PS4:Supporting

NM_198586.3(NHLRC1):c.1049_1050del (p.Glu350fs)

Gene: NHLRC1 (NHL repeat containing E3 ubiquitin protein ligase 1; minus strand). Cytogenetic location: 6p22.3.
Variant type: Deletion.
Coding change: c.1049_1050del on transcript NM_198586.3 (MANE Select); coding-DNA positions 1049 to 1050, 2 bases deleted (AG; older notation c.1049_1050delAG).
Protein change: p.Glu350fs; shifts the reading frame from glutamic acid 350.
Molecular consequence: frameshift variant.
Genome position (GRCh38, 1-based): chr6:18,121,557-18,121,558, CT deleted on the plus strand (AG on the coding strand, the reverse complement: NHLRC1 is on the minus strand); deleting any 2 consecutive bases within chr6:18,121,557-18,121,559 gives the same sequence; the c. name uses the placement nearest the transcript's 3' end. VCF-style (leftmost placement, unchanged base first): chr6-18121556-CCT-C. GRCh37 (hg19) VCF-style: chr6-18121787-CCT-C.
Other names: short protein forms E350fs.
Identifiers: ClinVar variation 2571244 (VCV002571244.27), dbSNP rs2533895492, ClinGen allele CA915940826.